The following is an entry in ClinVar:

NM_003120.3(SPI1):c.493+40C>T

Gene: SPI1 (Spi-1 proto-oncogene; minus strand). Cytogenetic location: 11p11.2.
Variant type: single nucleotide variant.
Coding change: c.493+40C>T on transcript NM_003120.3 (MANE Select); 40 bases into the intron after coding-DNA position 493, C replaced by T.
Molecular consequence: intron variant.
Genome position (GRCh38, 1-based): chr11:47,358,804, G>A on the plus strand (C>T on the coding strand, the complement: SPI1 is on the minus strand). VCF-style: chr11-47358804-G-A. GRCh37 (hg19) VCF-style: chr11-47380355-G-A.
Other names: c.496+40C>T (NM_001080547.2).
Identifiers: ClinVar variation 3777855 (VCV003777855.7).

ClinVar aggregate classification (germline): Likely benign (1 of 4 stars; one submission).

gnomAD v4.1: 2,737 of 1,545,018 alleles (0.18%); highest among the groups gnomAD compares: Middle Eastern, 0.48%; 3 homozygotes.

Submission:

CeGaT Center for Human Genetics Tuebingen
Classification: Likely benign. Last evaluated: 2025-12-01. Review status: criteria provided, single submitter. Criteria: CeGaT Center For Human Genetics Tuebingen Variant Classification Criteria Version 2. Collection method: clinical testing. Allele origin: germline. Affected: yes. Observed: 2 variant alleles.
Comment: SPI1: BP4, BS1